The following is an entry in ClinVar:

ClinVar aggregate classification (germline): Uncertain significance (1 of 4 stars; one submission).

gnomAD v4.1: 1 of 1,600,530 alleles (0.000062%); highest among the groups gnomAD compares: Non-Finnish European, 0.000085%; no homozygotes.

Submission:

GeneDx
Classification: Uncertain significance. Last evaluated: 2024-12-04. Review status: criteria provided, single submitter. Criteria: GeneDx Variant Classification Process June 2021. Collection method: clinical testing. Allele origin: germline. Affected: yes.
Comment: Not observed at significant frequency in large population cohorts (gnomAD); Nonsense variant predicted to result in protein truncation or nonsense mediated decay in a gene or region of a gene for which loss of function is not a well-established mechanism of disease; Has not been previously published as pathogenic or benign to our knowledge

NM_005027.4(PIK3R2):c.1720C>T (p.Arg574Ter)

Gene: PIK3R2 (phosphoinositide-3-kinase regulatory subunit 2; plus strand). Cytogenetic location: 19p13.11.
Variant type: single nucleotide variant.
Coding change: c.1720C>T on transcript NM_005027.4 (MANE Select); coding-DNA position 1720, C replaced by T.
Protein change: p.Arg574Ter; replaces arginine 574 with a stop codon.
Molecular consequence: nonsense. On other transcripts: non-coding transcript variant (2).
Genome position (GRCh38, 1-based): chr19:18,167,290, C>T. VCF-style: chr19-18167290-C-T. GRCh37 (hg19) VCF-style: chr19-18278100-C-T.
Other names: short protein forms R574*.
Identifiers: ClinVar variation 3901554 (VCV003901554.1).